The following is an entry in ClinVar:

NM_007294.4(BRCA1):c.1649A>G (p.Asn550Ser)

Gene: BRCA1 (BRCA1 DNA repair associated; minus strand). Cytogenetic location: 17q21.31.
Variant type: single nucleotide variant.
Coding change: c.1649A>G on transcript NM_007294.4 (MANE Select); coding-DNA position 1649, A replaced by G.
Protein change: p.Asn550Ser; replaces asparagine 550 with serine.
Molecular consequence: missense variant. On other transcripts: intron variant (137).
Genome position (GRCh38, 1-based): chr17:43,093,882, T>C on the plus strand (A>G on the coding strand, the complement: BRCA1 is on the minus strand). VCF-style: chr17-43093882-T-C. GRCh37 (hg19) VCF-style: chr17-41245899-T-C.
Other names: c.1649A>G, p.Asn550Ser (NM_001407597.1, NM_001407598.1, NM_001407602.1 and 30 more transcripts); c.1646A>G, p.Asn549Ser (NM_001407610.1, NM_001407611.1, NM_001407612.1 and 22 more transcripts); c.1640A>G, p.Asn547Ser (NM_001407646.1, NM_001407647.1); c.1526A>G, p.Asn509Ser (NM_001407648.1, NM_001407665.1, NM_001407666.1 and 19 more transcripts); c.1523A>G, p.Asn508Ser (NM_001407649.1, NM_001407670.1, NM_001407671.1 and 11 more transcripts); c.1571A>G, p.Asn524Ser (NM_001407653.1, NM_001407654.1, NM_001407655.1 and 4 more transcripts); c.1508A>G, p.Asn503Ser (NM_001407692.1, NM_001407694.1, NM_001407729.1 and 29 more transcripts); c.1505A>G, p.Asn502Ser (NM_001407748.1, NM_001407749.1, NM_001407838.1 and 20 more transcripts); and 40 more; short protein forms N550S, N503S, N462S, N480S, N547S, N254S, N382S, N422S.
Identifiers: ClinVar variation 421571 (VCV000421571.18), dbSNP rs1064795217, ClinGen allele CA10598737.

ClinVar aggregate classification (germline): Conflicting classifications of pathogenicity. Review status: criteria provided, conflicting classifications (1 of 4 stars). 6 submissions from 6 submitters: Uncertain significance (5); Likely benign (1). Last evaluated 2025-07-09.

Conditions:
Hereditary breast ovarian cancer syndrome. Also called: Hereditary breast and ovarian cancer syndrome (HBOC); BRCA1- and BRCA2-Associated Hereditary Breast and Ovarian Cancer; Hereditary breast and/or ovarian cancer syndrome; Hereditary breast and ovarian cancer syndrome; Hereditary breast and ovarian cancer; Breast and ovarian cancer. Identifiers: Orphanet 145, MedGen C0677776, MeSH D061325, MONDO:0003582. Disease mechanism: loss of function.
Hereditary cancer-predisposing syndrome. Also called: Neoplastic Syndromes, Hereditary; Hereditary neoplastic syndrome; Tumor predisposition; Hereditary Cancer Syndrome. Identifiers: Orphanet 140162, MedGen C0027672, MeSH D009386, MONDO:0015356.
Breast-ovarian cancer, familial, susceptibility to, 1 (BROVCA1). Also called: BRCA1 Hereditary Breast and Ovarian Cancer; OVARIAN CANCER, SUSCEPTIBILITY TO. Identifiers: Orphanet 145, MedGen C2676676, MONDO:0011450, OMIM 604370. Disease mechanism: loss of function.

Submissions (6):

Color Diagnostics, LLC DBA Color Health
Classification: Uncertain significance for Hereditary cancer-predisposing syndrome. Last evaluated: 2025-07-09. Review status: criteria provided, single submitter. Criteria: ACMG Guidelines, 2015. Collection method: clinical testing. Allele origin: germline.
Comment: This missense variant replaces asparagine with serine at codon 550 of the BRCA1 protein. Computational prediction suggests that this variant may not impact protein structure and function. To our knowledge, functional studies have not been reported for this variant. This variant has not been reported in individuals affected with BRCA1-related disorders in the literature. This variant has not been identified in the general population by the Genome Aggregation Database (gnomAD). The available evidence is insufficient to determine the role of this variant in disease conclusively. Therefore, this variant is classified as a Variant of Uncertain Significance.

Ambry Genetics
Classification: Uncertain significance for Hereditary cancer-predisposing syndrome. Last evaluated: 2024-04-17. Review status: criteria provided, single submitter. Criteria: Ambry Variant Classification Scheme 2023. Collection method: clinical testing. Allele origin: germline.
Comment: The p.N550S variant (also known as c.1649A>G), located in coding exon 9 of the BRCA1 gene, results from an A to G substitution at nucleotide position 1649. The asparagine at codon 550 is replaced by serine, an amino acid with highly similar properties. This amino acid position is not well conserved in available vertebrate species. In addition, the in silico prediction for this alteration is inconclusive. Since supporting evidence is limited at this time, the clinical significance of this alteration remains unclear.

Labcorp Genetics (formerly Invitae), Labcorp
Classification: Uncertain significance for Hereditary breast ovarian cancer syndrome. Last evaluated: 2024-01-18. Review status: criteria provided, single submitter. Criteria: Invitae Variant Classification Sherloc (09022015). Collection method: clinical testing. Allele origin: germline.
Comment: This sequence change replaces asparagine, which is neutral and polar, with serine, which is neutral and polar, at codon 550 of the BRCA1 protein (p.Asn550Ser). This variant is not present in population databases (gnomAD no frequency). This variant has not been reported in the literature in individuals affected with BRCA1-related conditions. ClinVar contains an entry for this variant (Variation ID: 421571). Advanced modeling of protein sequence and biophysical properties (such as structural, functional, and spatial information, amino acid conservation, physicochemical variation, residue mobility, and thermodynamic stability) performed at Invitae indicates that this missense variant is not expected to disrupt BRCA1 protein function with a negative predictive value of 95%. In summary, the available evidence is currently insufficient to determine the role of this variant in disease. Therefore, it has been classified as a Variant of Uncertain Significance.

All of Us Research Program, National Institutes of Health
Classification: Uncertain significance for Breast-ovarian cancer, familial, susceptibility to, 1. Last evaluated: 2023-12-01. Review status: criteria provided, single submitter. Criteria: ACMG Guidelines, 2015. Collection method: clinical testing. Allele origin: germline. Inheritance: Autosomal dominant inheritance. Observed: 1 variant allele, 1 heterozygote.
Comment: This study involves interpretation of variants in research participants for the purpose of population health screening. Participant phenotype was not available at the time of variant classification. Additional details can be found in publication PMID: 35346344, PMCID: PMC8962531

University of Washington Department of Laboratory Medicine, University of Washington
Classification: Likely benign for Hereditary cancer-predisposing syndrome. Last evaluated: 2023-03-23. Review status: criteria provided, single submitter. Criteria: Dines et al. (Genet Med. 2020). Collection method: curation. Allele origin: germline.
Comment: Missense variant in a coldspot region where missense variants are very unlikely to be pathogenic (PMID:31911673).

BRCA1 coldspot (exon 11 using historical exon numbering). Reclassification based on statistical prior probability

GeneDx
Classification: Uncertain significance. Last evaluated: 2016-07-08. Review status: criteria provided, single submitter. Criteria: GeneDx Variant Classification (06012015). Collection method: clinical testing. Allele origin: germline. Affected: yes.
Comment: This variant is denoted BRCA1 c.1649A>G at the cDNA level, p.Asn550Ser (N550S) at the protein level, and results in the change of an Asparagine to a Serine (AAT>AGT). Using alternate nomenclature, this variant would be defined as BRCA1 1768A>G. This variant has not, to our knowledge, been published in the literature as pathogenic or benign. BRCA1 Asn550Ser was not observed in approximately 6,500 individuals of European and African American ancestry in the NHLBI Exome Sequencing Project, suggesting it is not a common benign variant in these populations. Since Asparagine and Serine share similar properties, this is considered a conservative amino acid substitution. BRCA1 Asn550Ser occurs at a position that is not conserved and is located in the DNA binding domain and a region known to interact with multiple other proteins (Narod 2004, Paul 2014). In silico analyses predict that this variant is unlikely to alter protein structure or function. Based on currently available evidence, it is unclear whether BRCA1 Asn550Ser is a pathogenic or benign variant. We consider it to be a variant of uncertain significance.